The following is an entry in ClinVar:

ClinVar aggregate classification (germline): Pathogenic. Review status: criteria provided, multiple submitters, no conflicts (2 of 4 stars). 2 submissions from 2 submitters: Pathogenic (2). Last evaluated 2025-06-26.

Conditions:
Primary ciliary dyskinesia. Also called: Ciliary dyskinesia. Identifiers: Orphanet 244, MedGen C0008780, MONDO:0016575, HP:0012265.

Submissions (2):

Natera, Inc.
Classification: Pathogenic for Primary ciliary dyskinesia. Last evaluated: 2025-06-26. Review status: criteria provided, single submitter. Criteria: Natera Variant Classification Schema (03/2026). Collection method: clinical testing. Allele origin: germline.
Comment: The c.717_729del variant in DNAH5 is a frameshift variant predicted to shift the reading frame beginning at codon 239 and leads to a stop codon 11 codons downstream. This variant is expected to result in nonsense mediated decay, truncation, or a dysfunctional protein product. This variant is rare in the general population with a frequency below the threshold expected for the associated phenotype(s). This variant has been observed in one or more individuals affected with the associated recessive disease, as either homozygous or compound heterozygous with a second variant (PMID: 26228299). Additionally, this variant has been observed to segregate in affected family members (PMID: 26228299). Given the available evidence, this variant is classified as Pathogenic.

Labcorp Genetics (formerly Invitae), Labcorp
Classification: Pathogenic for Primary ciliary dyskinesia. Last evaluated: 2022-02-25. Review status: criteria provided, single submitter. Criteria: Invitae Variant Classification Sherloc (09022015). Collection method: clinical testing. Allele origin: germline.
Comment: For these reasons, this variant has been classified as Pathogenic. This premature translational stop signal has been observed in individual(s) with primary ciliary dyskinesia (PMID: 26228299). This variant is not present in population databases (gnomAD no frequency). This sequence change creates a premature translational stop signal (p.Asp239Glufs*11) in the DNAH5 gene. It is expected to result in an absent or disrupted protein product. Loss-of-function variants in DNAH5 are known to be pathogenic (PMID: 11788826, 16627867).

Literature cited by the submitters: PubMed 26228299 (cited by Natera, Inc. and Labcorp Genetics (formerly Invitae), Labcorp); PubMed 11788826 (cited by Labcorp Genetics (formerly Invitae), Labcorp); PubMed 16627867 (cited by Labcorp Genetics (formerly Invitae), Labcorp).

NM_001369.3(DNAH5):c.717_729del (p.Asp239fs)

Gene: DNAH5 (dynein axonemal heavy chain 5; minus strand). Cytogenetic location: 5p15.2.
Variant type: Deletion.
Coding change: c.717_729del on transcript NM_001369.3 (MANE Select); coding-DNA positions 717 to 729, 13 bases deleted (CTACTTGACTCTA).
Protein change: p.Asp239fs; shifts the reading frame from aspartic acid 239.
Molecular consequence: frameshift variant.
Genome position (GRCh38, 1-based): chr5:13,920,549-13,920,561, TAGAGTCAAGTAG deleted on the plus strand (CTACTTGACTCTA on the coding strand, the reverse complement: DNAH5 is on the minus strand); deleting any 13 consecutive bases within chr5:13,920,549-13,920,562 gives the same sequence; the c. name uses the placement nearest the transcript's 3' end. VCF-style (leftmost placement, unchanged base first): chr5-13920548-CTAGAGTCAAGTAG-C. GRCh37 (hg19) VCF-style: chr5-13920657-CTAGAGTCAAGTAG-C.
Other names: c.717_729del (NM_001369.2); short protein forms D239fs.
Identifiers: ClinVar variation 1458109 (VCV001458109.7), dbSNP rs2151992688, ClinGen allele CA2573138509.